The following is an entry in ClinVar:

NM_001379270.1(CNGA1):c.787del (p.Tyr263fs)

Genes: CNGA1 (cyclic nucleotide gated channel subunit alpha 1; minus strand), LOC101927157 (uncharacterized LOC101927157; plus strand). Cytogenetic location: 4p12.
Variant type: Deletion.
Coding change: c.787del on transcript NM_001379270.1 (MANE Select); coding-DNA position 787, one base deleted (T; older notation c.787delT).
Protein change: p.Tyr263fs; shifts the reading frame from tyrosine 263.
Molecular consequence: frameshift variant.
Genome position (GRCh38, 1-based): chr4:47,937,695, A deleted on the plus strand (T on the coding strand, the reverse complement: CNGA1 is on the minus strand). VCF-style (leftmost placement, unchanged base first): chr4-47937694-TA-T. GRCh37 (hg19) VCF-style: chr4-47939711-TA-T.
Other names: c.787del, p.Tyr263fs (NM_000087.5, NM_001142564.2); short protein forms Y263fs.
Identifiers: ClinVar variation 2134241 (VCV002134241.4), dbSNP rs2475753166, ClinGen allele CA2580071050.

ClinVar aggregate classification (germline): Pathogenic (1 of 4 stars; one submission).

Submission:

Labcorp Genetics (formerly Invitae), Labcorp
Classification: Pathogenic. Last evaluated: 2022-05-05. Review status: criteria provided, single submitter. Criteria: Invitae Variant Classification Sherloc (09022015). Collection method: clinical testing. Allele origin: germline.
Comment: This sequence change creates a premature translational stop signal (p.Tyr267Ilefs*6) in the CNGA1 gene. While this is not anticipated to result in nonsense mediated decay, it is expected to disrupt the last 424 amino acid(s) of the CNGA1 protein. For these reasons, this variant has been classified as Pathogenic. This variant disrupts a region of the CNGA1 protein in which other variant(s) (p.Arg658Aspfs*2) have been determined to be pathogenic (PMID: 7479749, 24265693). This suggests that this is a clinically significant region of the protein, and that variants that disrupt it are likely to be disease-causing. This variant has not been reported in the literature in individuals affected with CNGA1-related conditions. This variant is not present in population databases (gnomAD no frequency).

Literature cited by the submitters: PubMed 7479749; PubMed 24265693.